The following is an entry in ClinVar:

NM_005629.4(SLC6A8):c.699G>A (p.Trp233Ter)

Gene: SLC6A8 (solute carrier family 6 member 8; plus strand). Cytogenetic location: Xq28.
Variant type: single nucleotide variant.
Coding change: c.699G>A on transcript NM_005629.4 (MANE Select); coding-DNA position 699, G replaced by A.
Protein change: p.Trp233Ter; replaces tryptophan 233 with a stop codon.
Molecular consequence: nonsense.
Genome position (GRCh38, 1-based): chrX:153,692,029, G>A. VCF-style: chrX-153692029-G-A. GRCh37 (hg19) VCF-style: chrX-152957484-G-A.
Other names: c.699G>A, p.Trp233Ter (NM_001142805.2); c.354G>A, p.Trp118Ter (NM_001142806.1); short protein forms W118*, W233*.
Identifiers: ClinVar variation 859894 (VCV000859894.7), dbSNP rs2091458828, ClinGen allele CA415079988.

ClinVar aggregate classification (germline): Pathogenic (1 of 4 stars; one submission).

Conditions:
Creatine transporter deficiency (CCDS1). Also called: CREATINE TRANSPORTER DEFECT; CEREBRAL CREATINE DEFICIENCY SYNDROME 1; Creatine Transporter (CRTR) Deficiency; Mental retardation , X-linked with seizures, short stature and midface hypoplasia; Mental retardation , X-linked, with creatine transport deficiency; X-linked creatine transporter deficiency. Identifiers: Orphanet 52503, MedGen C1845862, MONDO:0010305, OMIM 300352.

Submission:

Labcorp Genetics (formerly Invitae), Labcorp
Classification: Pathogenic for Creatine transporter deficiency. Last evaluated: 2022-08-31. Review status: criteria provided, single submitter. Criteria: Invitae Variant Classification Sherloc (09022015). Collection method: clinical testing. Allele origin: germline.
Comment: For these reasons, this variant has been classified as Pathogenic. ClinVar contains an entry for this variant (Variation ID: 859894). This variant has not been reported in the literature in individuals affected with SLC6A8-related conditions. This variant is not present in population databases (gnomAD no frequency). This sequence change creates a premature translational stop signal (p.Trp233*) in the SLC6A8 gene. It is expected to result in an absent or disrupted protein product. Loss-of-function variants in SLC6A8 are known to be pathogenic (PMID: 22281021).

Literature cited by the submitters: PubMed 22281021.